The following is an entry in ClinVar:

NM_000059.4(BRCA2):c.772C>T (p.Gln258Ter)

Gene: BRCA2 (BRCA2 DNA repair associated; plus strand). Cytogenetic location: 13q13.1.
Variant type: single nucleotide variant.
Coding change: c.772C>T on transcript NM_000059.4 (MANE Select); coding-DNA position 772, C replaced by T.
Protein change: p.Gln258Ter; replaces glutamine 258 with a stop codon.
Molecular consequence: nonsense.
Genome position (GRCh38, 1-based): chr13:32,331,009, C>T. VCF-style: chr13-32331009-C-T. GRCh37 (hg19) VCF-style: chr13-32905146-C-T.
Other names: 1000C>T; short protein forms Q258*.
Identifiers: ClinVar variation 52395 (VCV000052395.14), dbSNP rs80358998, ClinGen allele CA025248.
Genomic context (GRCh38, chr13:32,331,009, plus strand): 5'-GAAAGTCTGAAGAAAAATGATAGATTTATCGCTTCTGTGACAGACAGTGAAAACACAAAT[C>T]AAAGAGAAGCTGCAAGTCATGGTAAGTCCTCTGTTTAGTTGAACTACAGGTTTTTTTGTT-3'

ClinVar aggregate classification (germline): Pathogenic. Review status: reviewed by expert panel (3 of 4 stars). 9 submissions from 9 submitters: Pathogenic (1). 8 of the submissions do not count toward it. Last evaluated 2016-09-08.

Conditions:
Hereditary cancer-predisposing syndrome. Also called: Neoplastic Syndromes, Hereditary; Tumor predisposition; Hereditary neoplastic syndrome; Hereditary Cancer Syndrome. Identifiers: Orphanet 140162, MedGen C0027672, MeSH D009386, MONDO:0015356.
Hereditary breast ovarian cancer syndrome. Also called: Hereditary breast and ovarian cancer syndrome; Hereditary breast and ovarian cancer; Hereditary breast and ovarian cancer syndrome (HBOC); Breast and ovarian cancer; Hereditary breast and/or ovarian cancer syndrome; BRCA1- and BRCA2-Associated Hereditary Breast and Ovarian Cancer. Identifiers: Orphanet 145, MedGen C0677776, MeSH D061325, MONDO:0003582. Disease mechanism: loss of function.
Familial cancer of breast. Also called: BREAST CANCER, FAMILIAL; Hereditary breast cancer; hereditary breast carcinoma. Identifiers: Orphanet 227535, MedGen C0346153, MONDO:0016419, OMIM 114480. Disease mechanism: loss of function.
Breast-ovarian cancer, familial, susceptibility to, 2 (BROVCA2). Also called: BRCA2 Hereditary Breast and Ovarian Cancer. Identifiers: Orphanet 145, MedGen C2675520, MONDO:0012933, OMIM 612555. Disease mechanism: loss of function.

Allele frequency attached by ClinVar (database versions not stated): TOPMed below 0.00001; gnomAD 0.00001.
gnomAD v4.1: 1 of 1,610,980 alleles (0.000062%); highest among the groups gnomAD compares: Non-Finnish European, 0.000085%; no homozygotes.

Submissions (9):

Evidence-based Network for the Interpretation of Germline Mutant Alleles (ENIGMA)
Classification: Pathogenic for Breast-ovarian cancer, familial, susceptibility to, 2. Last evaluated: 2016-09-08. Review status: reviewed by expert panel. Criteria: ENIGMA BRCA1/2 Classification Criteria (2015). Collection method: curation. Allele origin: germline.
Comment: Variant allele predicted to encode a truncated non-functional protein.

Labcorp Genetics (formerly Invitae), Labcorp
Classification: Pathogenic for Hereditary breast ovarian cancer syndrome. Last evaluated: 2024-08-01. Review status: criteria provided, single submitter. Criteria: Invitae Variant Classification Sherloc (09022015). Collection method: clinical testing. Allele origin: germline. Not counted in ClinVar's aggregate classification.
Comment: This sequence change creates a premature translational stop signal (p.Gln258*) in the BRCA2 gene. It is expected to result in an absent or disrupted protein product. Loss-of-function variants in BRCA2 are known to be pathogenic (PMID: 20104584). This variant is not present in population databases (gnomAD no frequency). This premature translational stop signal has been observed in individual(s) with BRCA2-related conditions (PMID: 22144684). ClinVar contains an entry for this variant (Variation ID: 52395). For these reasons, this variant has been classified as Pathogenic.

Baylor Genetics
Classification: Pathogenic for Familial cancer of breast. Last evaluated: 2024-01-21. Review status: criteria provided, single submitter. Criteria: ACMG Guidelines, 2015. Collection method: clinical testing. Allele origin: unknown. Not counted in ClinVar's aggregate classification.

Women's Health and Genetics/Laboratory Corporation of America, LabCorp
Classification: Pathogenic for Hereditary breast ovarian cancer syndrome. Last evaluated: 2022-04-17. Review status: criteria provided, single submitter. Criteria: LabCorp Variant Classification Summary - May 2015. Collection method: clinical testing. Allele origin: germline. Not counted in ClinVar's aggregate classification.
Comment: Variant summary: BRCA2 c.772C>T (p.Gln258X) results in a premature termination codon, predicted to cause a truncation of the encoded protein or absence of the protein due to nonsense mediated decay, which are commonly known mechanisms for disease. Truncations downstream of this position have been classified as pathogenic by our laboratory. The variant was absent in 250522 control chromosomes. c.772C>T has been reported in the literature in individuals affected with Hereditary Breast And Ovarian Cancer Syndrome (example, Rebbeck_2018). These data indicate that the variant is likely to be associated with disease. One clinical diagnostic laboratory, an expert panel (ENIGMA) and a consortium (CIMBA) have submitted clinical-significance assessments for this variant to ClinVar after 2014 without evidence for independent evaluation. All submitters classified the variant as pathogenic. Based on the evidence outlined above, the variant was classified as pathogenic.

Consortium of Investigators of Modifiers of BRCA1/2 (CIMBA), c/o University of Cambridge
Classification: Pathogenic for Breast-ovarian cancer, familial, susceptibility to, 2. Last evaluated: 2015-10-02. Review status: criteria provided, single submitter. Criteria: CIMBA Mutation Classification guidelines May 2016. Collection method: clinical testing. Allele origin: germline. Not counted in ClinVar's aggregate classification.

Ambry Genetics
Classification: Pathogenic for Hereditary cancer-predisposing syndrome. Last evaluated: 2013-10-03. Review status: criteria provided, single submitter. Criteria: Ambry Autosomal Dominant and X-Linked criteria (10/2015). Collection method: clinical testing. Allele origin: germline. Observed: 1 variant allele. Not counted in ClinVar's aggregate classification.
Comment: This alteration is expected to result in loss of function by premature protein truncation or nonsense-mediatedâ€¯mRNAâ€¯decay.â€¯As such, this alteration is interpreted as a disease-causing mutation.

Research Molecular Genetics Laboratory, Women's College Hospital, University of Toronto
Classification: Pathogenic for Hereditary breast ovarian cancer syndrome. Last evaluated: 2014-01-31. Review status: no assertion criteria provided. Collection method: research. Allele origin: germline. Affected: yes. Study: The Canadian Open Genetics Repository (COGR). Not counted in ClinVar's aggregate classification.

Sharing Clinical Reports Project (SCRP)
Classification: Pathogenic for Breast-ovarian cancer, familial 2. Last evaluated: 2006-08-22. Review status: no assertion criteria provided. Collection method: clinical testing. Allele origin: germline. Not counted in ClinVar's aggregate classification.

Breast Cancer Information Core (BIC) (BRCA2)
Classification: Pathogenic for Breast-ovarian cancer, familial 2. Review status: no assertion criteria provided. Collection method: clinical testing. Allele origin: germline. Affected: yes. Observed: 1 variant allele. Not counted in ClinVar's aggregate classification.

Literature cited by the submitters: PubMed 20104584 (cited by Labcorp Genetics (formerly Invitae), Labcorp); PubMed 22144684 (cited by Labcorp Genetics (formerly Invitae), Labcorp); PubMed 29446198 (cited by Women's Health and Genetics/Laboratory Corporation of America, LabCorp).